The following is an entry in ClinVar:

ClinVar aggregate classification (germline): Likely pathogenic (1 of 4 stars; one submission).

Conditions:
TACSTD2-related disorder. Also called: TACSTD2-related condition.

Submission:

PreventionGenetics, part of Exact Sciences
Classification: Likely pathogenic for TACSTD2-related condition. Last evaluated: 2026-02-14. Review status: criteria provided, single submitter. Criteria: ACMG Guidelines, 2015. Collection method: clinical testing. Allele origin: germline.
Comment: The TACSTD2 c.604C>T variant is predicted to result in premature protein termination (p.Gln202*). To our knowledge, this variant has not been reported in the literature or in a large population database (gnomAD), indicating this variant is rare. This variant resides in the final exon of this gene, and it is unclear if the resulting mRNA would undergo nonsense-mediated decay but several downstream loss of function variants have been reported in individuals with gelatinous drop-like corneal dystrophy (Tsujikawa et al. 1999. PubMed ID: 10192395; Weiss et al 2008. PubMed ID: 19337156). This variant is interpreted as likely pathogenic.

NM_002353.3(TACSTD2):c.604C>T (p.Gln202Ter)

Gene: TACSTD2 (tumor associated calcium signal transducer 2; minus strand). Cytogenetic location: 1p32.1.
Variant type: single nucleotide variant.
Coding change: c.604C>T on transcript NM_002353.3 (MANE Select); coding-DNA position 604, C replaced by T.
Protein change: p.Gln202Ter; replaces glutamine 202 with a stop codon.
Molecular consequence: nonsense.
Genome position (GRCh38, 1-based): chr1:58,576,553, G>A on the plus strand (C>T on the coding strand, the complement: TACSTD2 is on the minus strand). VCF-style: chr1-58576553-G-A. GRCh37 (hg19) VCF-style: chr1-59042225-G-A.
Other names: short protein forms Q202*.
Identifiers: ClinVar variation 4987360 (VCV004987360.1).
Genomic context (GRCh38, chr1:58,576,553, plus strand): 5'-CATCGCCGATATCCACGTCACCGGCGGCCTTCTGAGACGTGTTCTGCCGCAGCTCGATCT[G>A]GATGGTGGGCTGCTCGTAGTGCACGGCCGCCACGAACTTGGGGTGCAGCCGATAGCGCTC-3'